The following is an entry in ClinVar:

NC_000018.9:g.(?_47373086)_(47379803_?)del

Gene: MYO5B (myosin VB; minus strand). Cytogenetic location: 18q21.1.
Variant type: Deletion.
Identifiers: ClinVar variation 3242790 (VCV003242790.1).

ClinVar aggregate classification (germline): Pathogenic (1 of 4 stars; one submission).

Submission:

Labcorp Genetics (formerly Invitae), Labcorp
Classification: Pathogenic. Last evaluated: 2023-03-21. Review status: criteria provided, single submitter. Criteria: Invitae Variant Classification Sherloc (09022015). Collection method: clinical testing. Allele origin: unknown.
Comment: For these reasons, this variant has been classified as Pathogenic. This variant has not been reported in the literature in individuals affected with MYO5B-related conditions. This variant is a gross deletion of the genomic region encompassing exon(s) 32-33 of the MYO5B gene. This deletion is out-of-frame, and is expected to create a premature termination codon and result in an absent or disrupted protein product. Loss-of-function variants in MYO5B are known to be pathogenic (PMID: 18724368, 20186687).

Literature cited by the submitters: PubMed 18724368; PubMed 20186687.